The following is an entry in ClinVar:

ClinVar aggregate classification (germline): Uncertain significance. Review status: criteria provided, multiple submitters, no conflicts (2 of 4 stars). 3 submissions from 3 submitters: Uncertain significance (3). Last evaluated 2025-09-18.

Conditions:
Hereditary nonpolyposis colorectal neoplasms. Identifiers: MedGen C0009405, MeSH D003123.
Hereditary cancer-predisposing syndrome. Also called: Neoplastic Syndromes, Hereditary; Tumor predisposition; Hereditary neoplastic syndrome; Hereditary Cancer Syndrome. Identifiers: Orphanet 140162, MedGen C0027672, MeSH D009386, MONDO:0015356.

Allele frequency attached by ClinVar (database versions not stated): TOPMed below 0.00001.

Submissions (3):

Ambry Genetics
Classification: Uncertain significance for Hereditary cancer-predisposing syndrome. Last evaluated: 2025-09-18. Review status: criteria provided, single submitter. Criteria: Ambry Variant Classification Scheme 2023. Collection method: clinical testing. Allele origin: germline.
Comment: The p.P898S variant (also known as c.2692C>T), located in coding exon 4 of the MSH6 gene, results from a C to T substitution at nucleotide position 2692. The proline at codon 898 is replaced by serine, an amino acid with similar properties. This amino acid position is conserved. In addition, this alteration is predicted to be tolerated by in silico analysis. Based on the available evidence, the clinical significance of this variant remains unclear.

Labcorp Genetics (formerly Invitae), Labcorp
Classification: Uncertain significance for Hereditary nonpolyposis colorectal neoplasms. Last evaluated: 2024-12-27. Review status: criteria provided, single submitter. Criteria: Invitae Variant Classification Sherloc (09022015). Collection method: clinical testing. Allele origin: germline.
Comment: This sequence change replaces proline, which is neutral and non-polar, with serine, which is neutral and polar, at codon 898 of the MSH6 protein (p.Pro898Ser). This variant is not present in population databases (gnomAD no frequency). This variant has not been reported in the literature in individuals affected with MSH6-related conditions. ClinVar contains an entry for this variant (Variation ID: 3230537). Invitae Evidence Modeling of protein sequence and biophysical properties (such as structural, functional, and spatial information, amino acid conservation, physicochemical variation, residue mobility, and thermodynamic stability) indicates that this missense variant is not expected to disrupt MSH6 protein function with a negative predictive value of 95%. In summary, the available evidence is currently insufficient to determine the role of this variant in disease. Therefore, it has been classified as a Variant of Uncertain Significance.

GeneDx
Classification: Uncertain significance. Last evaluated: 2023-05-01. Review status: criteria provided, single submitter. Criteria: GeneDx Variant Classification Process June 2021. Collection method: clinical testing. Allele origin: germline. Affected: yes.
Comment: Not observed at significant frequency in large population cohorts (gnomAD); In silico analysis supports that this missense variant does not alter protein structure/function; Has not been previously published as pathogenic or benign to our knowledge; This variant is associated with the following publications: (PMID: 17531815, 21120944)

NM_000179.3(MSH6):c.2692C>T (p.Pro898Ser)

Gene: MSH6 (mutS homolog 6; plus strand). Cytogenetic location: 2p16.3.
Variant type: single nucleotide variant.
Coding change: c.2692C>T on transcript NM_000179.3 (MANE Select); coding-DNA position 2692, C replaced by T.
Protein change: p.Pro898Ser; replaces proline 898 with serine.
Molecular consequence: missense variant. On other transcripts: non-coding transcript variant (5), intron variant (2).
Genome position (GRCh38, 1-based): chr2:47,800,675, C>T. VCF-style: chr2-47800675-C-T. GRCh37 (hg19) VCF-style: chr2-48027814-C-T.
Other names: c.2302C>T, p.Pro768Ser (NM_001281492.2); c.1786C>T, p.Pro596Ser (NM_001281493.2, NM_001281494.2, NM_001406811.1 and 6 more transcripts); c.2788C>T, p.Pro930Ser (NM_001406795.1, NM_001406802.1); c.2692C>T, p.Pro898Ser (NM_001406796.1, NM_001406798.1, NM_001406800.1 and 2 more transcripts); c.2395C>T, p.Pro799Ser (NM_001406797.1, NM_001406801.1, NM_001406805.1 and 10 more transcripts); c.2167C>T, p.Pro723Ser (NM_001406799.1, NM_001406806.1, NM_001406807.1); c.2614C>T, p.Pro872Ser (NM_001406804.1); c.2698C>T, p.Pro900Ser (NM_001406813.1); and 4 more; short protein forms P213S, P596S, P723S, P768S, P799S, P842S, P872S, P898S.
Identifiers: ClinVar variation 3230537 (VCV003230537.5), dbSNP rs1114167700, ClinGen allele CA346755304.